The following is an entry in ClinVar:

ClinVar aggregate classification (germline): Pathogenic (1 of 4 stars; one submission).

Submission:

Labcorp Genetics (formerly Invitae), Labcorp
Classification: Pathogenic. Last evaluated: 2023-07-15. Review status: criteria provided, single submitter. Criteria: Invitae Variant Classification Sherloc (09022015). Collection method: clinical testing. Allele origin: germline.
Comment: For these reasons, this variant has been classified as Pathogenic. This variant has not been reported in the literature in individuals affected with ABCC2-related conditions. This variant is not present in population databases (gnomAD no frequency). This sequence change creates a premature translational stop signal (p.Gln69Argfs*10) in the ABCC2 gene. It is expected to result in an absent or disrupted protein product. Loss-of-function variants in ABCC2 are known to be pathogenic (PMID: 9185779, 16549534, 16952291).

Literature cited by the submitters: PubMed 9185779; PubMed 16549534; PubMed 16952291.

NM_000392.5(ABCC2):c.205del (p.Gln69fs)

Genes: ABCC2 (ATP binding cassette subfamily C member 2; plus strand), LOC108281165 (MED14-independent group 3 enhancer GRCh37_chr10:101544125-101545324; plus strand). Cytogenetic location: 10q24.2.
Variant type: Deletion.
Coding change: c.205del on transcript NM_000392.5 (MANE Select); coding-DNA position 205, one base deleted (C; older notation c.205delC).
Protein change: p.Gln69fs; shifts the reading frame from glutamine 69.
Molecular consequence: frameshift variant.
Genome position (GRCh38, 1-based): chr10:99,784,779, C deleted. VCF-style (leftmost placement, unchanged base first): chr10-99784778-GC-G. GRCh37 (hg19) VCF-style: chr10-101544535-GC-G.
Other names: short protein forms Q69fs.
Identifiers: ClinVar variation 2778323 (VCV002778323.3), dbSNP rs2492813605, ClinGen allele CA471132016.